The following is an entry in ClinVar:

NM_015978.3(TNNI3K):c.1270T>A (p.Ser424Thr)

Genes: FPGT-TNNI3K (FPGT-TNNI3K readthrough; plus strand), TNNI3K (TNNI3 interacting kinase; plus strand). Cytogenetic location: 1p31.1.
Variant type: single nucleotide variant.
Coding change: c.1270T>A on transcript NM_015978.3 (MANE Select); coding-DNA position 1270, T replaced by A.
Protein change: p.Ser424Thr; replaces serine 424 with threonine.
Molecular consequence: missense variant.
Genome position (GRCh38, 1-based): chr1:74,367,913, T>A. VCF-style: chr1-74367913-T-A. GRCh37 (hg19) VCF-style: chr1-74833597-T-A.
Other names: c.1573T>A, p.Ser525Thr (NM_001112808.3, NM_001199327.2); short protein forms S424T, S525T.
Identifiers: ClinVar variation 4879650 (VCV004879650.1).

ClinVar aggregate classification (germline): Uncertain significance (1 of 4 stars; one submission).

Conditions:
Cardiac conduction disease with or without dilated cardiomyopathy 1. Also called: CARDIAC CONDUCTION DISEASE WITH OR WITHOUT CARDIOMYOPATHY 1. Identifiers: MedGen C6065889, MONDO:0700388, OMIM 616117.

gnomAD v4.1: 4 of 1,576,414 alleles (0.00025%); highest among the groups gnomAD compares: Non-Finnish European, 0.00034%; no homozygotes.

Submission:

Victorian Clinical Genetics Services, Murdoch Childrens Research Institute
Classification: Uncertain significance for Cardiac conduction disease with or without dilated cardiomyopathy 1. Last evaluated: 2026-07-10. Review status: criteria provided, single submitter. Criteria: ACMG Guidelines, 2015. Collection method: clinical testing. Allele origin: germline. Affected: yes.
Comment: This variant is classified as VUS-3C. Evidence in support of pathogenic classification: This variant is present in gnomAD <0.001 for a dominant condition (v4: 4 heterozygote(s), 0 homozygote(s)). Evidence in support of benign classification: Missense variant predicted to be tolerated by in silico tool(s) and/or not conserved in placental mammals with a minor amino acid change. Additional information: This variant is predicted to result in a missense amino acid change from Ser to Thr; This variant is heterozygous; This gene is associated with autosomal dominant disease; Alternative amino acid change(s) at the same position are present in gnomAD (highest allele count: v4: 1 heterozygote(s), 0 homozygote(s)). - This variant has no previous evidence of pathogenicity; No published evidence of segregation with disease has been identified for this variant; No published functional evidence has been identified for this variant; No comparable variants have previous evidence for pathogenicity; Variant is not located in an established domain, motif, hotspot or informative constraint region; Gain of function is a known mechanism of disease in this gene and is associated with cardiac conduction disease with or without dilated cardiomyopathy (MIM#616117); Inheritance information for this variant is not currently available in this individual.